The following is an entry in ClinVar:

NM_006225.4(PLCD1):c.130T>C (p.Leu44=)

Gene: PLCD1 (phospholipase C delta 1; minus strand). Cytogenetic location: 3p22.2.
Variant type: single nucleotide variant.
Coding change: c.130T>C on transcript NM_006225.4 (MANE Select); coding-DNA position 130, T replaced by C.
Protein change: p.Leu44=; no amino-acid change (leucine 44 retained).
Molecular consequence: synonymous variant. On other transcripts: non-coding transcript variant (1).
Genome position (GRCh38, 1-based): chr3:38,020,257, A>G on the plus strand (T>C on the coding strand, the complement: PLCD1 is on the minus strand). VCF-style: chr3-38020257-A-G. GRCh37 (hg19) VCF-style: chr3-38061748-A-G.
Other names: c.193T>C, p.Leu65= (NM_001130964.2).
Identifiers: ClinVar variation 1244336 (VCV001244336.6), dbSNP rs61751648, ClinGen allele CA2313472.

ClinVar aggregate classification (germline): Benign/Likely benign. Review status: criteria provided, multiple submitters, no conflicts (2 of 4 stars). 4 submissions from 4 submitters: Benign (2); Likely benign (1). 1 of the submissions does not count toward it. Last evaluated 2024-11-26.

Conditions:
PLCD1-related disorder. Also called: PLCD1-related condition.

Allele frequency attached by ClinVar (database versions not stated): gnomAD exomes 0.05694 and 0.06151; ExAC 0.06337; 1000 Genomes Project 0.07748; ESP Exome Variant Server 0.07942; gnomAD 0.07966 and 0.08056; TOPMed 0.08013; 1000 Genomes Project 30x 0.08307.
gnomAD v4.1: 95,777 of 1,613,872 alleles (5.9%); highest among the groups gnomAD compares: African/African-American, 14%; 3,453 homozygotes.

Submissions (4):

Blueprint Genetics
Classification: Likely benign. Last evaluated: 2024-11-26. Review status: criteria provided, single submitter. Criteria: ACMG Guidelines, 2015. Collection method: clinical testing. Allele origin: germline.

GeneDx
Classification: Benign. Last evaluated: 2021-06-10. Review status: criteria provided, single submitter. Criteria: GeneDx Variant Classification Process June 2021. Collection method: clinical testing. Allele origin: germline. Affected: yes.

Breakthrough Genomics
Classification: Benign. Review status: criteria provided, single submitter. Criteria: ACMG Guidelines, 2015. Collection method: not provided. Allele origin: germline. Inheritance: Autosomal dominant inheritance. Affected: yes.

PreventionGenetics, part of Exact Sciences
Classification: Benign for PLCD1-related condition. Last evaluated: 2024-01-19. Review status: no assertion criteria provided. Collection method: clinical testing. Allele origin: germline. Not counted in ClinVar's aggregate classification.
Comment: This variant is classified as benign based on ACMG/AMP sequence variant interpretation guidelines (Richards et al. 2015 PMID: 25741868, with internal and published modifications).